The following is an entry in ClinVar:

NM_001048174.2(MUTYH):c.1353G>C (p.Glu451Asp)

Gene: MUTYH (mutY DNA glycosylase; minus strand). Cytogenetic location: 1p34.1.
Variant type: single nucleotide variant.
Coding change: c.1353G>C on transcript NM_001048174.2 (MANE Select); coding-DNA position 1353, G replaced by C.
Protein change: p.Glu451Asp; replaces glutamic acid 451 with aspartic acid.
Molecular consequence: missense variant. On other transcripts: non-coding transcript variant (7).
Genome position (GRCh38, 1-based): chr1:45,331,221, C>G on the plus strand (G>C on the coding strand, the complement: MUTYH is on the minus strand). VCF-style: chr1-45331221-C-G. GRCh37 (hg19) VCF-style: chr1-45796893-C-G.
Other names: c.1353G>C, p.Glu451Asp (NM_001048171.2, NM_001048173.2, NM_001293195.2 and 6 more transcripts); c.1356G>C, p.Glu452Asp (NM_001048172.2, NM_001407071.1, NM_001407086.1 and 1 more transcripts); c.1437G>C, p.Glu479Asp (NM_001128425.2); c.1398G>C, p.Glu466Asp (NM_001293190.2); c.1386G>C, p.Glu462Asp (NM_001293191.2, NM_001407069.1, NM_001407077.1); c.1077G>C, p.Glu359Asp (NM_001293192.2, NM_001293196.2, NM_001407091.1); c.1008G>C, p.Glu336Asp (NM_001350650.2, NM_001350651.2, NM_001407082.1); c.1374G>C, p.Glu458Asp (NM_001407087.1); and 5 more; short protein forms E336D, E476D, E423D, E462D, E438D, E451D, E452D, E465D.
Identifiers: ClinVar variation 4113244 (VCV004113244.1).

ClinVar aggregate classification (germline): Uncertain significance (1 of 4 stars; one submission).

Conditions:
Hereditary cancer-predisposing syndrome. Also called: Tumor predisposition; Neoplastic Syndromes, Hereditary; Hereditary neoplastic syndrome; Hereditary Cancer Syndrome. Identifiers: Orphanet 140162, MedGen C0027672, MeSH D009386, MONDO:0015356.

Submission:

Ambry Genetics
Classification: Uncertain significance for Hereditary cancer-predisposing syndrome. Last evaluated: 2025-08-27. Review status: criteria provided, single submitter. Criteria: Ambry Variant Classification Scheme 2023. Collection method: clinical testing. Allele origin: germline.
Comment: The p.E479D variant (also known as c.1437G>C), located in coding exon 14 of the MUTYH gene, results from a G to C substitution at nucleotide position 1437. The glutamic acid at codon 479 is replaced by aspartic acid, an amino acid with highly similar properties. This amino acid position is conserved. In addition, this alteration is predicted to be tolerated by in silico analysis. Based on the available evidence, the clinical significance of this variant remains unclear.